The following is an entry in ClinVar:

ClinVar aggregate classification (germline): Likely benign. Review status: criteria provided, single submitter (1 of 4 stars). 2 submissions from 2 submitters: Likely benign (1). 1 of the submissions does not count toward it. Last evaluated 2026-08-01.

Conditions:
GLT8D1-related disorder. Also called: GLT8D1-related condition.

Allele frequency attached by ClinVar (database versions not stated): 1000 Genomes Project 0.00140; 1000 Genomes Project 30x 0.00187; ESP Exome Variant Server 0.00208.
gnomAD v4.1: 3,688 of 1,613,726 alleles (0.23%); highest among the groups gnomAD compares: Non-Finnish European, 0.3%; 3 homozygotes.

Submissions (11):

CeGaT Center for Human Genetics Tuebingen
Classification: Likely benign. Last evaluated: 2026-08-01. Review status: criteria provided, single submitter. Criteria: CeGaT Center For Human Genetics Tuebingen Variant Classification Criteria Version 2. Collection method: clinical testing. Allele origin: germline. Affected: yes. Observed: 6 variant alleles.
Comment: GLT8D1: BP4, BP7

PreventionGenetics, part of Exact Sciences
Classification: Likely benign for GLT8D1-related condition. Last evaluated: 2022-02-10. Review status: no assertion criteria provided. Collection method: clinical testing. Allele origin: germline. Not counted in ClinVar's aggregate classification.
Comment: This variant is classified as likely benign based on ACMG/AMP sequence variant interpretation guidelines (Richards et al. 2015 PMID: 25741868, with internal and published modifications).

Dr. Peter K. Rogan Lab, Western University
No classification provided (evidence only). Condition: Familial cancer of breast. Review status: no classification provided. Collection method: in vitro. Allele origin: not applicable. Functional consequence: retained intron. Not counted in ClinVar's aggregate classification.

Dr. Peter K. Rogan Lab, Western University
No classification provided (evidence only). Condition: Thyroid cancer, nonmedullary, 1. Review status: no classification provided. Collection method: in vitro. Allele origin: not applicable. Functional consequence: retained intron. Not counted in ClinVar's aggregate classification.

Dr. Peter K. Rogan Lab, Western University
No classification provided (evidence only). Condition: Cervical cancer. Review status: no classification provided. Collection method: in vitro. Allele origin: not applicable. Functional consequence: retained intron. Not counted in ClinVar's aggregate classification.

Dr. Peter K. Rogan Lab, Western University
No classification provided (evidence only). Condition: Ovarian serous cystadenocarcinoma. Review status: no classification provided. Collection method: in vitro. Allele origin: not applicable. Functional consequence: retained intron. Not counted in ClinVar's aggregate classification.

Dr. Peter K. Rogan Lab, Western University
No classification provided (evidence only). Condition: Ovarian serous cystadenocarcinoma. Review status: no classification provided. Collection method: in vitro. Allele origin: not applicable. Functional consequence: retained intron. Not counted in ClinVar's aggregate classification.

Dr. Peter K. Rogan Lab, Western University
No classification provided (evidence only). Condition: Ovarian serous cystadenocarcinoma. Review status: no classification provided. Collection method: in vitro. Allele origin: not applicable. Functional consequence: retained intron. Not counted in ClinVar's aggregate classification.

Dr. Peter K. Rogan Lab, Western University
No classification provided (evidence only). Condition: Ovarian serous cystadenocarcinoma. Review status: no classification provided. Collection method: in vitro. Allele origin: not applicable. Functional consequence: retained intron. Not counted in ClinVar's aggregate classification.

Dr. Peter K. Rogan Lab, Western University
No classification provided (evidence only). Condition: Adrenocortical carcinoma, hereditary. Review status: no classification provided. Collection method: in vitro. Allele origin: not applicable. Functional consequence: retained intron. Not counted in ClinVar's aggregate classification.

Dr. Peter K. Rogan Lab, Western University
No classification provided (evidence only). Condition: Uveal melanoma. Review status: no classification provided. Collection method: in vitro. Allele origin: not applicable. Functional consequence: retained intron. Not counted in ClinVar's aggregate classification.

NM_018446.4(GLT8D1):c.166C>A (p.Arg56=)

Gene: GLT8D1 (glycosyltransferase 8 domain containing 1; minus strand). Cytogenetic location: 3p21.1.
Variant type: single nucleotide variant.
Coding change: c.166C>A on transcript NM_018446.4 (MANE Select); coding-DNA position 166, C replaced by A.
Protein change: p.Arg56=; no amino-acid change (arginine 56 retained).
Molecular consequence: synonymous variant.
Genome position (GRCh38, 1-based): chr3:52,697,884, G>T on the plus strand (C>A on the coding strand, the complement: GLT8D1 is on the minus strand). VCF-style: chr3-52697884-G-T. GRCh37 (hg19) VCF-style: chr3-52731900-G-T.
Other names: NC_000003.11:g.52731900G>T; c.166C>A, p.Arg56= (NM_001010983.3, NM_001278280.2, NM_001278281.2 and 1 more transcripts); c.166C>A (NM_152932.2).
Identifiers: ClinVar variation 2653899 (VCV002653899.26), dbSNP rs114173039, ClinGen allele CA2445892.